The following is an entry in ClinVar:

NM_018706.7(DHTKD1):c.2743G>C (p.Ala915Pro)

Gene: DHTKD1 (dehydrogenase E1 and transketolase domain containing 1; plus strand). Cytogenetic location: 10p14.
Variant type: single nucleotide variant.
Coding change: c.2743G>C on transcript NM_018706.7 (MANE Select); coding-DNA position 2743, G replaced by C.
Protein change: p.Ala915Pro; replaces alanine 915 with proline.
Molecular consequence: missense variant.
Genome position (GRCh38, 1-based): chr10:12,120,871, G>C. VCF-style: chr10-12120871-G-C. GRCh37 (hg19) VCF-style: chr10-12162870-G-C.
Other names: c.2743G>C (NM_018706.5); short protein forms A915P.
Identifiers: ClinVar variation 1986412 (VCV001986412.5), dbSNP rs373277244, ClinGen allele CA202568902.

ClinVar aggregate classification (germline): Uncertain significance. Review status: criteria provided, multiple submitters, no conflicts (2 of 4 stars). 2 submissions from 2 submitters: Uncertain significance (2). Last evaluated 2025-08-06.

Conditions:
Inborn genetic diseases. Identifiers: MedGen C0950123, MeSH D030342.
2-aminoadipic 2-oxoadipic aciduria (AAKAD). Also called: Aminoadipic aciduria; ALPHA-AMINOADIPIC AND ALPHA-KETOADIPIC ACIDURIA. Identifiers: Orphanet 79154, MedGen C1859817, MONDO:0008774, OMIM 204750.

gnomAD v4.1: 30 of 1,613,686 alleles (0.0019%); highest among the groups gnomAD compares: Non-Finnish European, 0.0023%; no homozygotes.

Submissions (2):

Ambry Genetics
Classification: Uncertain significance for Inborn genetic diseases. Last evaluated: 2025-08-06. Review status: criteria provided, single submitter. Criteria: Ambry Variant Classification Scheme 2023. Collection method: clinical testing. Allele origin: germline.

Labcorp Genetics (formerly Invitae), Labcorp
Classification: Uncertain significance for 2-aminoadipic 2-oxoadipic aciduria. Last evaluated: 2024-11-08. Review status: criteria provided, single submitter. Criteria: Invitae Variant Classification Sherloc (09022015). Collection method: clinical testing. Allele origin: germline.
Comment: This sequence change replaces alanine, which is neutral and non-polar, with proline, which is neutral and non-polar, at codon 915 of the DHTKD1 protein (p.Ala915Pro). This variant is present in population databases (no rsID available, gnomAD 0.0009%). This variant has not been reported in the literature in individuals affected with DHTKD1-related conditions. ClinVar contains an entry for this variant (Variation ID: 1986412). Invitae Evidence Modeling of protein sequence and biophysical properties (such as structural, functional, and spatial information, amino acid conservation, physicochemical variation, residue mobility, and thermodynamic stability) has been performed for this missense variant. However, the output from this modeling did not meet the statistical confidence thresholds required to predict the impact of this variant on DHTKD1 protein function. In summary, the available evidence is currently insufficient to determine the role of this variant in disease. Therefore, it has been classified as a Variant of Uncertain Significance.